The following is an entry in ClinVar:

NM_003801.4(GPAA1):c.616+5G>T

Gene: GPAA1 (glycosylphosphatidylinositol anchor attachment 1; plus strand). Cytogenetic location: 8q24.3.
Variant type: single nucleotide variant.
Coding change: c.616+5G>T on transcript NM_003801.4 (MANE Select); 5 bases into the intron after coding-DNA position 616, G replaced by T.
Molecular consequence: intron variant.
Genome position (GRCh38, 1-based): chr8:144,084,045, G>T. VCF-style: chr8-144084045-G-T. GRCh37 (hg19) VCF-style: chr8-145138948-G-T.
Identifiers: ClinVar variation 2110796 (VCV002110796.4), dbSNP rs2537315569, ClinGen allele CA2580078648.
Genomic context (GRCh38, chr8:144,084,045, plus strand): 5'-TGACCTTCTGGGCACTGAGGCTTGGCTTGAAGCCTACCACGATGTCAATGTCACTGGTAG[G>T]TTCTCTTGTCCTGCCTGCCCTGGTCCCCCTCTCAGGGTCACTGTCCTCACCACGTCCTCC-3'

ClinVar aggregate classification (germline): Uncertain significance (1 of 4 stars; one submission).

Submission:

Labcorp Genetics (formerly Invitae), Labcorp
Classification: Uncertain significance. Last evaluated: 2024-01-15. Review status: criteria provided, single submitter. Criteria: Invitae Variant Classification Sherloc (09022015). Collection method: clinical testing. Allele origin: germline.
Comment: This sequence change falls in intron 5 of the GPAA1 gene. It does not directly change the encoded amino acid sequence of the GPAA1 protein. It affects a nucleotide within the consensus splice site. This variant is not present in population databases (gnomAD no frequency). This variant has not been reported in the literature in individuals affected with GPAA1-related conditions. ClinVar contains an entry for this variant (Variation ID: 2110796). Variants that disrupt the consensus splice site are a relatively common cause of aberrant splicing (PMID: 17576681, 9536098). Algorithms developed to predict the effect of sequence changes on RNA splicing suggest that this variant may disrupt the consensus splice site. In summary, the available evidence is currently insufficient to determine the role of this variant in disease. Therefore, it has been classified as a Variant of Uncertain Significance.

Literature cited by the submitters: PubMed 17576681; PubMed 9536098.